The following is an entry in ClinVar:

NM_017999.5(RNF31):c.44A>C (p.Glu15Ala)

Genes: RNF31 (ring finger protein 31; plus strand), LOC121468009 (Sharpr-MPRA regulatory region 11827; plus strand). Cytogenetic location: 14q12.
Variant type: single nucleotide variant.
Coding change: c.44A>C on transcript NM_017999.5 (MANE Select); coding-DNA position 44, A replaced by C.
Protein change: p.Glu15Ala; replaces glutamic acid 15 with alanine.
Molecular consequence: missense variant. On other transcripts: intron variant (1).
Genome position (GRCh38, 1-based): chr14:24,147,742, A>C. VCF-style: chr14-24147742-A-C. GRCh37 (hg19) VCF-style: chr14-24616951-A-C.
Other names: c.-325-234A>C (NM_001310332.2); short protein forms E15A.
Identifiers: ClinVar variation 1431523 (VCV001431523.8), dbSNP rs1254347390, ClinGen allele CA389283631.

ClinVar aggregate classification (germline): Uncertain significance (1 of 4 stars; one submission).

Allele frequency attached by ClinVar (database versions not stated): gnomAD exomes below 0.00001; gnomAD 0.00001; TOPMed 0.00001.
gnomAD v4.1: 4 of 1,559,588 alleles (0.00026%); highest among the groups gnomAD compares: Non-Finnish European, 0.00035%; no homozygotes.

Submission:

Labcorp Genetics (formerly Invitae), Labcorp
Classification: Uncertain significance. Last evaluated: 2025-09-09. Review status: criteria provided, single submitter. Criteria: Invitae Variant Classification Sherloc (09022015). Collection method: clinical testing. Allele origin: germline.
Comment: This sequence change replaces glutamic acid, which is acidic and polar, with alanine, which is neutral and non-polar, at codon 15 of the RNF31 protein (p.Glu15Ala). This variant is not present in population databases (gnomAD no frequency). This variant has not been reported in the literature in individuals affected with RNF31-related conditions. ClinVar contains an entry for this variant (Variation ID: 1431523). An algorithm developed to predict the effect of missense changes on protein structure and function (PolyPhen-2) suggests that this variant is likely to be tolerated. In summary, the available evidence is currently insufficient to determine the role of this variant in disease. Therefore, it has been classified as a Variant of Uncertain Significance.